The following is an entry in ClinVar:

ClinVar aggregate classification (germline): Uncertain significance. Review status: criteria provided, multiple submitters, no conflicts (2 of 4 stars). 4 submissions from 4 submitters: Uncertain significance (4). Last evaluated 2026-01-06.

Conditions:
Hereditary cancer-predisposing syndrome. Also called: Tumor predisposition; Neoplastic Syndromes, Hereditary; Hereditary Cancer Syndrome; Hereditary neoplastic syndrome. Identifiers: Orphanet 140162, MedGen C0027672, MeSH D009386, MONDO:0015356.
POLD1-related polyposis and colorectal cancer syndrome (CRCS10). Also called: Colorectal cancer 10; COLORECTAL CANCER, SUSCEPTIBILITY TO, ON CHROMOSOME 19q; Colorectal cancer, susceptibility to, 10. Identifiers: Orphanet 220460, MedGen C2675481, MONDO:0012953, OMIM 612591.

Allele frequency attached by ClinVar (database versions not stated): ExAC 0.00001; gnomAD exomes 0.00001.
gnomAD v4.1: 7 of 1,610,856 alleles (0.00043%); highest among the groups gnomAD compares: Non-Finnish European, 0.00059%; no homozygotes.

Submissions (4):

Labcorp Genetics (formerly Invitae), Labcorp
Classification: Uncertain significance for POLD1-related polyposis and colorectal cancer syndrome. Last evaluated: 2026-01-06. Review status: criteria provided, single submitter. Criteria: Invitae Variant Classification Sherloc (09022015). Collection method: clinical testing. Allele origin: germline.
Comment: This sequence change creates a premature translational stop signal (p.Arg762*) in the POLD1 gene. Missense variants that disrupt the 3'-5' exonuclease (proof-reading) activity of the POLD1 protein are associated with PPAP (polymerase proofreading–associated polyposis) (PMID: 23263490, 23447401). However, loss-of-function variants that result in an absent or severely disrupted POLD1 protein, and missense variants outside the exonuclease domain, are unlikely to be associated with PPAP. This variant is present in population databases (rs769650989, gnomAD 0.002%). This variant has not been reported in the literature in individuals affected with POLD1-related conditions. ClinVar contains an entry for this variant (Variation ID: 546011). In summary, the available evidence is currently insufficient to determine the role of this variant in disease. Therefore, it has been classified as a Variant of Uncertain Significance.

Ambry Genetics
Classification: Uncertain significance for Hereditary cancer-predisposing syndrome. Last evaluated: 2025-03-18. Review status: criteria provided, single submitter. Criteria: Ambry Variant Classification Scheme 2023. Collection method: clinical testing. Allele origin: germline.
Comment: The p.R762* variant (also known as c.2284C>T), located in coding exon 18 of the POLD1 gene, results from a C to T substitution at nucleotide position 2284. This changes the amino acid from an arginine to a stop codon within coding exon 18. This region is well conserved in available vertebrate species. This alteration is expected to result in loss of function by premature protein truncation or nonsense-mediated mRNA decay. However, loss of function of POLD1 has not been established as a mechanism of disease. Based on the available evidence, the clinical significance of this alteration remains unclear.

Quest Diagnostics Nichols Institute San Juan Capistrano
Classification: Uncertain significance. Last evaluated: 2023-05-15. Review status: criteria provided, single submitter. Criteria: Quest Diagnostics criteria. Collection method: clinical testing. Allele origin: unknown.
Comment: This variant is predicted to cause the premature termination of POLD1 protein synthesis, however loss of function of POLD1 has not been clearly established as a mechanism of disease. This variant has not been reported in the published literature. The frequency of this variant in the general population, 0.000008 (2/248472 chromosomes (Genome Aggregation Database)), is uninformative in the assessment of its pathogenicity. Based on the available information, we are unable to determine the clinical significance of this variant.

GeneDx
Classification: Uncertain significance. Last evaluated: 2018-03-29. Review status: criteria provided, single submitter. Criteria: GeneDx Variant Classification (06012015). Collection method: clinical testing. Allele origin: germline. Affected: yes.
Comment: This variant is denoted POLD1 c.2284C>T at the cDNA level and p.Arg762Ter (R762X) at the protein level. The substitution creates a nonsense variant, which changes an Arginine to a premature stop codon (CGA>TGA), and is predicted to cause loss of normal protein function through either protein truncation or nonsense-mediated mRNA decay. This variant has not, to our knowledge, been published in the literature as a germline variant; however, it has been reported as a somatic variant in colon cancer (Giannakis 2014). While some missense variants in POLD1 have been recognized as an underlying cause of Polymerase Proofreading-Associated Polyposis (PPAP), there are no data at this time to support that loss-of-function variants confer the same cancer risks. We therefore consider this variant to be of uncertain significance with respect to cancer.

Literature cited by the submitters: PubMed 23263490 (cited by Labcorp Genetics (formerly Invitae), Labcorp); PubMed 23447401 (cited by Labcorp Genetics (formerly Invitae), Labcorp).

NM_002691.4(POLD1):c.2284C>T (p.Arg762Ter)

Gene: POLD1 (DNA polymerase delta 1, catalytic subunit; plus strand). Cytogenetic location: 19q13.33.
Variant type: single nucleotide variant.
Coding change: c.2284C>T on transcript NM_002691.4 (MANE Select); coding-DNA position 2284, C replaced by T.
Protein change: p.Arg762Ter; replaces arginine 762 with a stop codon.
Molecular consequence: nonsense. On other transcripts: non-coding transcript variant (1).
Genome position (GRCh38, 1-based): chr19:50,413,775, C>T. VCF-style: chr19-50413775-C-T. GRCh37 (hg19) VCF-style: chr19-50917032-C-T.
Other names: c.2284C>T, p.Arg762Ter (NM_001256849.1); c.2362C>T, p.Arg788Ter (NM_001308632.1); short protein forms R762*, R788*.
Identifiers: ClinVar variation 546011 (VCV000546011.16), dbSNP rs769650989, ClinGen allele CA9596472.
Genomic context (GRCh38, chr19:50,413,775, plus strand): 5'-ACATACACACATCCCCACCGCCCGCAGGTGGTGTATGGTGACACTGACTCCGTCATGTGC[C>T]GATTCGGCGTGTCCTCGGTGGCTGAGGCGATGGCCCTGGGGCGGGAGGCCGCGGACTGGG-3'